The following is an entry in ClinVar:

ClinVar aggregate classification (germline): Uncertain significance. Review status: criteria provided, multiple submitters, no conflicts (2 of 4 stars). 3 submissions from 3 submitters: Uncertain significance (3). Last evaluated 2023-04-11.

Conditions:
Age related macular degeneration 1 (ARMD1). Also called: MACULOPATHY, AGE-RELATED, 1. Identifiers: MedGen C1864205, MONDO:0011285, OMIM 603075.

Allele frequency attached by ClinVar (database versions not stated): ExAC 0.00002; TOPMed 0.00002; gnomAD 0.00003.
gnomAD v4.1: 28 of 1,613,814 alleles (0.0017%); highest among the groups gnomAD compares: Non-Finnish European, 0.0023%; no homozygotes.

Submissions (3):

Genome-Nilou Lab
Classification: Uncertain significance for Age related macular degeneration 1. Last evaluated: 2023-04-11. Review status: criteria provided, single submitter. Criteria: ACMG Guidelines, 2015. Collection method: clinical testing. Allele origin: germline. Affected: no.

Labcorp Genetics (formerly Invitae), Labcorp
Classification: Uncertain significance. Last evaluated: 2022-04-20. Review status: criteria provided, single submitter. Criteria: Invitae Variant Classification Sherloc (09022015). Collection method: clinical testing. Allele origin: germline.
Comment: This sequence change replaces threonine, which is neutral and polar, with alanine, which is neutral and non-polar, at codon 3822 of the HMCN1 protein (p.Thr3822Ala). This variant is present in population databases (rs776373249, gnomAD 0.004%). This variant has not been reported in the literature in individuals affected with HMCN1-related conditions. Algorithms developed to predict the effect of missense changes on protein structure and function are either unavailable or do not agree on the potential impact of this missense change (SIFT: "Tolerated"; PolyPhen-2: "Probably Damaging"; Align-GVGD: "Class C0"). In summary, the available evidence is currently insufficient to determine the role of this variant in disease. Therefore, it has been classified as a Variant of Uncertain Significance.

Ambry Genetics
Classification: Uncertain significance. Last evaluated: 2022-03-25. Review status: criteria provided, single submitter. Criteria: Ambry Variant Classification Scheme 2023. Collection method: clinical testing. Allele origin: germline.

NM_031935.3(HMCN1):c.11464A>G (p.Thr3822Ala)

Gene: HMCN1 (hemicentin 1; plus strand). Cytogenetic location: 1q31.1.
Variant type: single nucleotide variant.
Coding change: c.11464A>G on transcript NM_031935.3 (MANE Select); coding-DNA position 11464, A replaced by G.
Protein change: p.Thr3822Ala; replaces threonine 3822 with alanine.
Molecular consequence: missense variant.
Genome position (GRCh38, 1-based): chr1:186,115,317, A>G. VCF-style: chr1-186115317-A-G. GRCh37 (hg19) VCF-style: chr1-186084449-A-G.
Other names: c.11464A>G (NM_031935.2); short protein forms T3822A.
Identifiers: ClinVar variation 2221648 (VCV002221648.8), dbSNP rs776373249, ClinGen allele CA1294061.
Genomic context (GRCh38, chr1:186,115,317, plus strand): 5'-GTTCCTCCATCTATTGCTCCGGGTCCTACCAACATGACTGTAATAGTAAATGTTCAAACT[A>G]CTCTGGCTTGTGAGGCTACTGGGATACCAAAACCATCAATCAATTGGAGAAAAAATGGGC-3'
Protein context (NP_114141.2, residues 3812-3832): NMTVIVNVQT[Thr3822Ala]LACEATGIPK